The following is an entry in ClinVar:

ClinVar aggregate classification (germline): Uncertain significance (1 of 4 stars; one submission).

gnomAD v4.1: 1 of 1,613,176 alleles (0.000062%); highest among the groups gnomAD compares: Non-Finnish European, 0.000085%; no homozygotes.

Submission:

Labcorp Genetics (formerly Invitae), Labcorp
Classification: Uncertain significance. Last evaluated: 2021-04-27. Review status: criteria provided, single submitter. Criteria: Invitae Variant Classification Sherloc (09022015). Collection method: clinical testing. Allele origin: germline.
Comment: This variant is not present in population databases (ExAC no frequency). This sequence change replaces phenylalanine with serine at codon 1468 of the SBF1 protein (p.Phe1468Ser). The phenylalanine residue is weakly conserved and there is a large physicochemical difference between phenylalanine and serine. This variant has not been reported in the literature in individuals with SBF1-related conditions. In summary, the available evidence is currently insufficient to determine the role of this variant in disease. Therefore, it has been classified as a Variant of Uncertain Significance. Algorithms developed to predict the effect of missense changes on protein structure and function are either unavailable or do not agree on the potential impact of this missense change (SIFT: "Deleterious"; PolyPhen-2: "Possibly Damaging"; Align-GVGD: "Class C0").

NM_002972.4(SBF1):c.4403T>C (p.Phe1468Ser)

Gene: SBF1 (SET binding factor 1; minus strand). Cytogenetic location: 22q13.33.
Variant type: single nucleotide variant.
Coding change: c.4403T>C on transcript NM_002972.4 (MANE Select); coding-DNA position 4403, T replaced by C.
Protein change: p.Phe1468Ser; replaces phenylalanine 1468 with serine.
Molecular consequence: missense variant.
Genome position (GRCh38, 1-based): chr22:50,455,375, A>G on the plus strand (T>C on the coding strand, the complement: SBF1 is on the minus strand). VCF-style: chr22-50455375-A-G. GRCh37 (hg19) VCF-style: chr22-50893804-A-G.
Other names: c.4328T>C, p.Phe1443Ser (NM_001365819.1); short protein forms F1468S, F1443S.
Identifiers: ClinVar variation 1424460 (VCV001424460.8), dbSNP rs2148570794, ClinGen allele CA412195848.
Genomic context (GRCh38, chr22:50,455,375, plus strand): 5'-TGGCCGAAGGACAGCCACTCCTTCTCCACCAGCAGGCGAAAGCCCTCCAGCGTGCGGTAG[A>G]AGGGGTCTGAGAGCAGCTGCACCAAGGATACCACCTGCCAGCACCGCCAGGAGGTCAGCG-3'
Protein context (NP_002963.2, residues 1458-1478): VSLVQLLSDP[Phe1468Ser]YRTLEGFRLL